The following is an entry in ClinVar:

NM_015631.6(TCTN3):c.755G>A (p.Ser252Asn)

Gene: TCTN3 (tectonic family member 3; minus strand). Cytogenetic location: 10q24.1.
Variant type: single nucleotide variant.
Coding change: c.755G>A on transcript NM_015631.6 (MANE Select); coding-DNA position 755, G replaced by A.
Protein change: p.Ser252Asn; replaces serine 252 with asparagine.
Molecular consequence: missense variant.
Genome position (GRCh38, 1-based): chr10:95,687,141, C>T on the plus strand (G>A on the coding strand, the complement: TCTN3 is on the minus strand). VCF-style: chr10-95687141-C-T. GRCh37 (hg19) VCF-style: chr10-97446898-C-T.
Other names: c.809G>A, p.Ser270Asn (NM_001013840.1); c.518G>A, p.Ser173Asn (NM_001143973.2); c.755G>A, p.Ser252Asn (NM_001410982.1); short protein forms S252N, S270N, S173N.
Identifiers: ClinVar variation 2149567 (VCV002149567.5), dbSNP rs1566074509, ClinGen allele CA377707405.
Genomic context (GRCh38, chr10:95,687,141, plus strand): 5'-AGGGCTGAATCCAAGGTACAGCTACTAGCCAGGTTCTTGAAAAAACGAGTGCAAGTTGTA[C>T]TTTTACTCTCTAGGAAACCTTAAACACAAATAATTAAGAGAGTGGTAAATGAGAAAGCCT-3'
Protein context (NP_056446.4, residues 242-262): SNPAGFLESK[Ser252Asn]TTCTRFFKNL

ClinVar aggregate classification (germline): Uncertain significance. Review status: criteria provided, multiple submitters, no conflicts (2 of 4 stars). 2 submissions from 2 submitters: Uncertain significance (2). Last evaluated 2023-07-14.

Conditions:
Orofacial-digital syndrome IV (OFD4). Also called: OFD SYNDROME WITH TIBIAL DEFECTS; OFD SYNDROME, BARAITSER-BURN TYPE; OFDS IV; ORAL-FACIAL-DIGITAL SYNDROME, TYPE IV; MOHR-MAJEWSKI SYNDROME; BARAITSER-BURN SYNDROME. Identifiers: Orphanet 2753, MedGen C0406727, MONDO:0009794, OMIM 258860.
Joubert syndrome 18 (JBTS18). Identifiers: Orphanet 2754, MedGen C3553758, MONDO:0013896, OMIM 614815.

gnomAD v4.1: 6 of 1,614,102 alleles (0.00037%); highest among the groups gnomAD compares: Middle Eastern, 0.049%; no homozygotes.

Submissions (2):

Blueprint Genetics
Classification: Uncertain significance. Last evaluated: 2023-07-14. Review status: criteria provided, single submitter. Criteria: ACMG Guidelines, 2015. Collection method: clinical testing. Allele origin: germline.

Labcorp Genetics (formerly Invitae), Labcorp
Classification: Uncertain significance for Joubert syndrome 18; Orofacial-digital syndrome IV. Last evaluated: 2022-05-13. Review status: criteria provided, single submitter. Criteria: Invitae Variant Classification Sherloc (09022015). Collection method: clinical testing. Allele origin: germline.
Comment: This variant has not been reported in the literature in individuals affected with TCTN3-related conditions. Algorithms developed to predict the effect of missense changes on protein structure and function are either unavailable or do not agree on the potential impact of this missense change (SIFT: "Deleterious"; PolyPhen-2: "Possibly Damaging"; Align-GVGD: "Class C0"). In summary, the available evidence is currently insufficient to determine the role of this variant in disease. Therefore, it has been classified as a Variant of Uncertain Significance. This variant is not present in population databases (gnomAD no frequency). This sequence change replaces serine, which is neutral and polar, with asparagine, which is neutral and polar, at codon 252 of the TCTN3 protein (p.Ser252Asn).